The following is an entry in ClinVar:

ClinVar aggregate classification (germline): Likely benign (1 of 4 stars; one submission).

Allele frequency attached by ClinVar (database versions not stated): gnomAD exomes below 0.00001.

Submission:

CeGaT Center for Human Genetics Tuebingen
Classification: Likely benign. Last evaluated: 2023-10-01. Review status: criteria provided, single submitter. Criteria: CeGaT Center For Human Genetics Tuebingen Variant Classification Criteria Version 2. Collection method: clinical testing. Allele origin: germline. Affected: yes. Observed: 1 variant allele.
Comment: LAS1L: PM2:Supporting, BP4, BP7

NM_031206.7(LAS1L):c.855G>A (p.Glu285=)

Gene: LAS1L (LAS1 like ribosome biogenesis factor; minus strand). Cytogenetic location: Xq12.
Variant type: single nucleotide variant.
Coding change: c.855G>A on transcript NM_031206.7 (MANE Select); coding-DNA position 855, G replaced by A.
Protein change: p.Glu285=; no amino-acid change (glutamic acid 285 retained).
Molecular consequence: synonymous variant. On other transcripts: non-coding transcript variant (1), intron variant (1).
Genome position (GRCh38, 1-based): chrX:65,528,361, C>T on the plus strand (G>A on the coding strand, the complement: LAS1L is on the minus strand). VCF-style: chrX-65528361-C-T. GRCh37 (hg19) VCF-style: chrX-64748241-C-T.
Other names: c.855G>A, p.Glu285= (NM_001170649.2, NM_001375328.1, NM_001375329.1 and 8 more transcripts); c.729G>A, p.Glu243= (NM_001170650.2); c.50+851G>A (NM_001375332.1).
Identifiers: ClinVar variation 2660757 (VCV002660757.24), dbSNP rs921151441, ClinGen allele CA329970518.
Genomic context (GRCh38, chrX:65,528,361, plus strand): 5'-TTCTACACGTGGGGACGGGTTATTCCACGCCTTAATGGCCTTAGGTAAATACCTAAATTT[C>T]TCCAGCACCTGCCAGCAAAGAGGGTCCCATCAGAAGGCTGGTTCAGCCAAGCAACCCACC-3'
Protein context (NP_112483.1, residues 275-295): SYEEEQFTVL[Glu285=]KFRYLPKAIK